The following is an entry in ClinVar:

NM_001291867.2(NHS):c.2450dup (p.Ser818fs)

Gene: NHS (NHS actin remodeling regulator; plus strand). Cytogenetic location: Xp22.13.
Variant type: Duplication.
Coding change: c.2450dup on transcript NM_001291867.2 (MANE Select); coding-DNA position 2450, one base duplicated (C; older notation c.2450dupC).
Protein change: p.Ser818fs; shifts the reading frame from serine 818.
Molecular consequence: frameshift variant.
Genome position (GRCh38, 1-based): chrX:17,726,556, C duplicated. VCF-style (leftmost placement, unchanged base first): chrX-17726555-G-GC. GRCh37 (hg19) VCF-style: chrX-17744675-G-GC.
Other names: c.1919dup, p.Ser641fs (NM_001136024.4); c.1856dup, p.Ser620fs (NM_001291868.2); c.2387dup, p.Ser797fs (NM_198270.4); c.2387dupC (NM_198270.3); short protein forms S797fs, S818fs, S620fs, S641fs.
Identifiers: ClinVar variation 11023 (VCV000011023.5), dbSNP rs786205255, ClinGen allele CA121304.

ClinVar aggregate classification (germline): Pathogenic. Review status: criteria provided, single submitter (1 of 4 stars). 2 submissions from 2 submitters: Pathogenic (1). 1 of the submissions does not count toward it. Last evaluated 2020-05-25.

Conditions:
Nance-Horan syndrome (NHS). Identifiers: Orphanet 627, MedGen C0796085, MONDO:0010545, OMIM 302350.

Submissions (2):

Victorian Clinical Genetics Services, Murdoch Childrens Research Institute
Classification: Pathogenic for Nance-Horan syndrome. Last evaluated: 2020-05-25. Review status: criteria provided, single submitter. Criteria: ACMG Guidelines, 2015. Collection method: clinical testing. Allele origin: germline. Inheritance: X-linked dominant inheritance.
Comment: Based on the classification scheme VCGS_Germline_v1.1.1, this variant is classified as Pathogenic. Following criteria are met: 0102 - Loss-of-function is a known mechanism of disease for this gene. (N) 0110 - This gene is known to be associated with X-linked dominant disease. (N) 0201 - Variant is predicted to cause nonsense-mediated decay (NMD) and loss of protein (exon 6 of 8). (P) 0253 - Variant is hemizygous. (N) 0301 - Variant is absent from gnomAD. (P) 0701 - Comparable NMD predicted variants have very strong previous evidence for pathogenicity (ClinVar). (P) 0803 - Low previous evidence of pathogenicity in individuals with Nance-Horan syndrome (ClinVar, PMID: 14564667). (P) 0901 - This variant segregated with disease in a six generation family (PMID: 14564667). (P) 1007 - No published functional evidence has been identified for this variant. (N) 1208 - Inheritance information for this variant is not currently available. (N) Legend: (P) - Pathogenic, (N) - Neutral, (B) - Benign

OMIM
Classification: Pathogenic for NANCE-HORAN SYNDROME. Last evaluated: 2003-11-01. Review status: no assertion criteria provided. Collection method: literature only. Allele origin: germline. Not counted in ClinVar's aggregate classification.

Literature cited by the submitters: PubMed 14564667 (cited by Victorian Clinical Genetics Services, Murdoch Childrens Research Institute); Horan, M. B., Billson, F. A. X-linked cataract and Hutchinsonian teeth. Aust. Paediat. J. 10: 98-102, 1974. (cited by OMIM); Burdon, K. P., McKay, J. D., Sale, M. M., Russell-Eggitt, I. M., Mackey, D. A., Wirth, M. G., Elder, J. E., Nicoll, A., Clarke, M. P., FitzGerald, L. M., Stankovich, J. M., Shaw, M. A., and 9 others Mutations in a novel gene, NHS, cause the pleiotropic effects of Nance-Horan syndrome, including severe congenital cataract, dental anomalies, and mental retardation. Am. J. Hum. Genet. 73: 1120-1130, 2003. (cited by OMIM).